The following is an entry in ClinVar:

ClinVar aggregate classification (germline): Likely benign. Review status: criteria provided, multiple submitters, no conflicts (2 of 4 stars). 2 submissions from 2 submitters: Likely benign (2). Last evaluated 2025-12-21.

Conditions:
RASopathy. Also called: Noonan spectrum disorder; rasopathies. Identifiers: Orphanet 536391, MedGen C5555857, MONDO:0021060.

Submissions (2):

Labcorp Genetics (formerly Invitae), Labcorp
Classification: Likely benign for RASopathy. Last evaluated: 2025-12-21. Review status: criteria provided, single submitter. Criteria: Invitae Variant Classification Sherloc (09022015). Collection method: clinical testing. Allele origin: germline.

GeneDx
Classification: Likely benign. Last evaluated: 2017-07-31. Review status: criteria provided, single submitter. Criteria: GeneDx Variant Classification (06012015). Collection method: clinical testing. Allele origin: germline. Affected: yes.
Comment: This variant is considered likely benign or benign based on one or more of the following criteria: it is a conservative change, it occurs at a poorly conserved position in the protein, it is predicted to be benign by multiple in silico algorithms, and/or has population frequency not consistent with disease.

NM_005633.4(SOS1):c.1859-5_1859-3del

Gene: SOS1 (SOS Ras/Rac guanine nucleotide exchange factor 1; minus strand). Cytogenetic location: 2p22.1.
Variant type: Microsatellite.
Coding change: c.1859-5_1859-3del on transcript NM_005633.4 (MANE Select); 5 bases into the intron before coding-DNA position 1859 through 3 bases into the intron before coding-DNA position 1859, 3 bases deleted (CTT; older notation c.1859-5_1859-3delCTT).
Molecular consequence: intron variant.
Genome position (GRCh38, 1-based): chr2:39,014,849-39,014,851, AAG deleted on the plus strand (CTT on the coding strand, the reverse complement: SOS1 is on the minus strand); deleting any 3 consecutive bases within chr2:39,014,849-39,014,856 gives the same sequence; the c. name uses the placement nearest the transcript's 3' end. VCF-style (leftmost placement, unchanged base first): chr2-39014848-TAAG-T. GRCh37 (hg19) VCF-style: chr2-39241989-TAAG-T.
Other names: c.1838-5_1838-3del (NM_001382394.1); c.1859-5_1859-3del (NM_001382395.1); c.1859-5_1859-3delCTT (NM_005633.3).
Identifiers: ClinVar variation 511024 (VCV000511024.4), dbSNP rs1171459346, ClinGen allele CA531988710.
Genomic context (GRCh38, chr2:39,014,848, plus strand): 5'-TTCTTGAGGTTTGCAAAAGGATCTGTATGTTGTAAGAAATGTCCGAACAAAATTGGGATC[TAAG>T]AAGAAAAAGGAAAAATATCTTATTAAACTCTATGATTCAAAATGATTAAAACTGTTATGT-3'